The following is an entry in ClinVar:

ClinVar aggregate classification (germline): Uncertain significance (1 of 4 stars; one submission).

Allele frequency attached by ClinVar (database versions not stated): TOPMed below 0.00001; gnomAD 0.00001; ExAC 0.00002; gnomAD exomes below 0.00001.
gnomAD v4.1: 2 of 1,524,554 alleles (0.00013%); highest among the groups gnomAD compares: Admixed American, 0.0045%; no homozygotes.

Submission:

Labcorp Genetics (formerly Invitae), Labcorp
Classification: Uncertain significance. Last evaluated: 2025-02-20. Review status: criteria provided, single submitter. Criteria: Invitae Variant Classification Sherloc (09022015). Collection method: clinical testing. Allele origin: germline.
Comment: This sequence change falls in intron 15 of the KMT2E gene. It does not directly change the encoded amino acid sequence of the KMT2E protein. It affects a nucleotide within the consensus splice site. This variant is present in population databases (rs752343063, gnomAD 0.01%). This variant has not been reported in the literature in individuals affected with KMT2E-related conditions. ClinVar contains an entry for this variant (Variation ID: 2071597). Variants that disrupt the consensus splice site are a relatively common cause of aberrant splicing (PMID: 17576681, 9536098). Algorithms developed to predict the effect of sequence changes on RNA splicing suggest that this variant is not likely to affect RNA splicing. In summary, the available evidence is currently insufficient to determine the role of this variant in disease. Therefore, it has been classified as a Variant of Uncertain Significance.

Literature cited by the submitters: PubMed 17576681; PubMed 9536098.

NM_182931.3(KMT2E):c.1723-3T>C

Gene: KMT2E (lysine methyltransferase 2E (inactive); plus strand). Cytogenetic location: 7q22.3.
Variant type: single nucleotide variant.
Coding change: c.1723-3T>C on transcript NM_182931.3 (MANE Select); 3 bases into the intron before coding-DNA position 1723, T replaced by C.
Molecular consequence: intron variant.
Genome position (GRCh38, 1-based): chr7:105,101,422, T>C. VCF-style: chr7-105101422-T-C. GRCh37 (hg19) VCF-style: chr7-104741869-T-C.
Other names: c.1723-3T>C (NM_018682.4).
Identifiers: ClinVar variation 2071597 (VCV002071597.4), dbSNP rs752343063, ClinGen allele CA4424090.